The following is an entry in ClinVar:

NM_000363.5(TNNI3):c.384G>T (p.Leu128=)

Gene: TNNI3 (troponin I3, cardiac type; minus strand). Cytogenetic location: 19q13.42.
Variant type: single nucleotide variant.
Coding change: c.384G>T on transcript NM_000363.5 (MANE Select); coding-DNA position 384, G replaced by T.
Protein change: p.Leu128=; no amino-acid change (leucine 128 retained).
Molecular consequence: synonymous variant.
Genome position (GRCh38, 1-based): chr19:55,154,195, C>A on the plus strand (G>T on the coding strand, the complement: TNNI3 is on the minus strand). VCF-style: chr19-55154195-C-A. GRCh37 (hg19) VCF-style: chr19-55665563-C-A.
Identifiers: ClinVar variation 1947258 (VCV001947258.6), dbSNP rs373130533, ClinGen allele CA051551.
Genomic context (GRCh38, chr19:55,154,195, plus strand): 5'-CCTCACTCTCCGCAGGGTGGGCCGCTTAAACTTGCCTCGAAGGTCAAAGATCTTCTGAGT[C>A]AGATCTGCAATCTGGGGGCACACGAGGGGGTGGGTACTTCTCCTTCCATTTCCCGCACAC-3'
Protein context (NP_000354.4, residues 118-138): VTKNITEIAD[Leu128=]TQKIFDLRGK

ClinVar aggregate classification (germline): Likely benign. Review status: criteria provided, multiple submitters, no conflicts (2 of 4 stars). 3 submissions from 3 submitters: Likely benign (3). Last evaluated 2024-05-14.

Conditions:
Cardiomyopathy (CMYO). Also called: Cardiomyopathies. Identifiers: Orphanet 167848, MedGen C0878544, MONDO:0004994, HP:0001638. Inheritance: Various modes of inheritance.
Hypertrophic cardiomyopathy. Also called: HYPERTROPHIC MYOCARDIOPATHY. Identifiers: Orphanet 217569, MedGen C0007194, MeSH D002312, MONDO:0005045, HP:0001639.

Submissions (3):

Labcorp Genetics (formerly Invitae), Labcorp
Classification: Likely benign for Hypertrophic cardiomyopathy. Last evaluated: 2024-05-14. Review status: criteria provided, single submitter. Criteria: Invitae Variant Classification Sherloc (09022015). Collection method: clinical testing. Allele origin: germline.

All of Us Research Program, National Institutes of Health
Classification: Likely benign for Hypertrophic cardiomyopathy. Last evaluated: 2023-10-23. Review status: criteria provided, single submitter. Criteria: ACMG Guidelines, 2015. Collection method: clinical testing. Allele origin: germline. Inheritance: Autosomal dominant inheritance. Observed: 1 variant allele, 1 heterozygote.
Comment: This study involves interpretation of variants in research participants for the purpose of population health screening. Participant phenotype was not available at the time of variant classification. Additional details can be found in publication PMID: 35346344, PMCID: PMC8962531

Color Diagnostics, LLC DBA Color Health
Classification: Likely benign for Cardiomyopathy. Last evaluated: 2022-11-06. Review status: criteria provided, single submitter. Criteria: ACMG Guidelines, 2015. Collection method: clinical testing. Allele origin: germline.